The following is an entry in ClinVar:

ClinVar aggregate classification (germline): Benign/Likely benign. Review status: criteria provided, multiple submitters, no conflicts (2 of 4 stars). 2 submissions from 2 submitters: Benign (1); Likely benign (1). Last evaluated 2025-02-03.

Conditions:
Hereditary cancer-predisposing syndrome. Also called: Neoplastic Syndromes, Hereditary; Tumor predisposition; Hereditary neoplastic syndrome; Hereditary Cancer Syndrome. Identifiers: Orphanet 140162, MedGen C0027672, MeSH D009386, MONDO:0015356.
Lynch syndrome 4 (LYNCH4). Also called: Colorectal cancer, hereditary nonpolyposis, type 4; Hereditary non-polyposis colorectal cancer, type 4. Identifiers: Orphanet 144, MedGen C1838333, MONDO:0013699, OMIM 614337. Disease mechanism: loss of function.

Submissions (2):

Myriad Genetics, Inc.
Classification: Benign for Lynch syndrome 4. Last evaluated: 2025-02-03. Review status: criteria provided, single submitter. Criteria: Myriad Autosomal Dominant, Autosomal Recessive and X-Linked Classification Criteria (2023). Collection method: clinical testing. Allele origin: unknown.
Comment: This variant is considered benign. This variant is a silent/synonymous amino acid change and it is not expected to impact splicing.

Ambry Genetics
Classification: Likely benign for Hereditary cancer-predisposing syndrome. Last evaluated: 2024-01-21. Review status: criteria provided, single submitter. Criteria: Ambry Variant Classification Scheme 2023. Collection method: clinical testing. Allele origin: germline.

NM_000535.7(PMS2):c.2202T>A (p.Val734=)

Gene: PMS2 (PMS1 homolog 2, mismatch repair system component; minus strand). Cytogenetic location: 7p22.1.
Variant type: single nucleotide variant.
Coding change: c.2202T>A on transcript NM_000535.7 (MANE Select); coding-DNA position 2202, T replaced by A.
Protein change: p.Val734=; no amino-acid change (valine 734 retained).
Molecular consequence: synonymous variant. On other transcripts: non-coding transcript variant (1), intron variant (2).
Genome position (GRCh38, 1-based): chr7:5,978,669, A>T on the plus strand (T>A on the coding strand, the complement: PMS2 is on the minus strand). VCF-style: chr7-5978669-A-T. GRCh37 (hg19) VCF-style: chr7-6018300-A-T.
Other names: c.1797T>A, p.Val599= (NM_001018040.1, NM_001322003.2, NM_001322004.2 and 15 more transcripts); c.2046T>A, p.Val682= (NM_001322006.2, NM_001406870.1); c.1884T>A, p.Val628= (NM_001322007.2, NM_001322008.2, NM_001406876.1 and 1 more transcripts); c.1641T>A, p.Val547= (NM_001322010.2, NM_001406906.1, NM_001406907.1); c.1269T>A, p.Val423= (NM_001322011.2, NM_001322012.2); c.1629T>A, p.Val543= (NM_001322013.2, NM_001406908.1, NM_001406909.1); c.2202T>A, p.Val734= (NM_001322014.2); c.1893T>A, p.Val631= (NM_001322015.2, NM_001406875.1, NM_001406877.1 and 5 more transcripts); and 16 more.
Identifiers: ClinVar variation 3232006 (VCV003232006.2), dbSNP rs878854044, ClinGen allele CA453642715.
Genomic context (GRCh38, chr7:5,978,669, plus strand): 5'-AACAAAATCAAAGCCATTCTTTCTAAATATTTCCAGATTTTCTATCAGAACAGCTTCATT[A>T]ACAGCAGTTAAGTTGAGAGTCTGAGGTCTGAAAAACACAAAAATGATTCAAACCATATCC-3'
Protein context (NP_000526.2, residues 724-744): IAPQTLNLTA[Val734=]NEAVLIENLE